The following is an entry in ClinVar:

ClinVar aggregate classification (germline): Uncertain significance (1 of 4 stars; one submission).

Conditions:
Chuvash polycythemia. Also called: POLYCYTHEMIA, VHL-DEPENDENT. Identifiers: Orphanet 238557, MedGen C1837915, MONDO:0009892, OMIM 263400.
Von Hippel-Lindau syndrome (VHLS). Also called: VHL syndrome; Von Hippel-Lindau; von Hippel–Lindau syndrome. Identifiers: Orphanet 892, MedGen C0019562, MONDO:0008667, OMIM 193300. Disease mechanism: loss of function.

Submission:

Labcorp Genetics (formerly Invitae), Labcorp
Classification: Uncertain significance for Von Hippel-Lindau syndrome; Erythrocytosis, familial, 2. Last evaluated: 2019-11-07. Review status: criteria provided, single submitter. Criteria: Invitae Variant Classification Sherloc (09022015). Collection method: clinical testing. Allele origin: germline.
Comment: This variant results in a copy number gain of the genomic region encompassing exon 1 of the VHL gene, which includes the initiator codon. The 5' end of this event is unknown as it extends beyond the assayed region for this gene and therefore may encompass additional genes. The 3' boundary is likely confined to intron 1 of the VHL gene. As the precise location of this event is unknown, it may be in tandem or it may be located elsewhere in the genome. This variant has not been reported in the literature in individuals with VHL-related conditions. In summary, the available evidence is currently insufficient to determine the role of this variant in disease. Therefore, it has been classified as a Variant of Uncertain Significance.

NC_000003.12:g.(?_10141848)_(10142197_?)dup

Gene: VHL (von Hippel-Lindau tumor suppressor; plus strand). Cytogenetic location: 3p25.3.
Variant type: Duplication.
Identifiers: ClinVar variation 830832 (VCV000830832.1).